The following is an entry in ClinVar:

ClinVar aggregate classification (germline): Uncertain significance. Review status: criteria provided, multiple submitters, no conflicts (2 of 4 stars). 2 submissions from 2 submitters: Uncertain significance (2). Last evaluated 2025-01-11.

Conditions:
EGFR-related lung cancer (EGFR). Identifiers: MedGen CN130014.
Hereditary cancer-predisposing syndrome. Also called: Hereditary neoplastic syndrome; Hereditary Cancer Syndrome; Tumor predisposition; Neoplastic Syndromes, Hereditary. Identifiers: Orphanet 140162, MedGen C0027672, MeSH D009386, MONDO:0015356.

Allele frequency attached by ClinVar (database versions not stated): TOPMed below 0.00001.

Submissions (2):

Labcorp Genetics (formerly Invitae), Labcorp
Classification: Uncertain significance for EGFR-related lung cancer. Last evaluated: 2025-01-11. Review status: criteria provided, single submitter. Criteria: Invitae Variant Classification Sherloc (09022015). Collection method: clinical testing. Allele origin: germline.
Comment: This sequence change replaces lysine, which is basic and polar, with asparagine, which is neutral and polar, at codon 728 of the EGFR protein (p.Lys728Asn). This variant is not present in population databases (gnomAD no frequency). This variant has not been reported in the literature in individuals affected with EGFR-related conditions. ClinVar contains an entry for this variant (Variation ID: 1519960). An algorithm developed to predict the effect of missense changes on protein structure and function (PolyPhen-2) suggests that this variant is likely to be disruptive. Algorithms developed to predict the effect of sequence changes on RNA splicing suggest that this variant may create or strengthen a splice site. In summary, the available evidence is currently insufficient to determine the role of this variant in disease. Therefore, it has been classified as a Variant of Uncertain Significance.

Ambry Genetics
Classification: Uncertain significance for Hereditary cancer-predisposing syndrome. Last evaluated: 2024-11-08. Review status: criteria provided, single submitter. Criteria: Ambry Variant Classification Scheme 2023. Collection method: clinical testing. Allele origin: germline.
Comment: The c.2184G>C variant (also known as p.K728N), located in coding exon 18 of the EGFR gene, results from a G to C substitution at nucleotide position 2184. The amino acid change results in lysine to asparagine at codon 728, an amino acid with similar properties. However, this change occurs in the last base pair of coding exon 18, which makes it likely to have some effect on normal mRNA splicing. This nucleotide position is highly conserved in available vertebrate species. This amino acid position is highly conserved in available vertebrate species. In silico splice site analysis predicts that this alteration will result in the creation or strengthening of a novel splice donor site. In addition, as a missense substitution this is predicted to be inconclusive by in silico analysis. Based on the available evidence, the clinical significance of this variant remains unclear.

NM_005228.5(EGFR):c.2184G>C (p.Lys728Asn)

Gene: EGFR (epidermal growth factor receptor; plus strand). Cytogenetic location: 7p11.2.
Variant type: single nucleotide variant.
Coding change: c.2184G>C on transcript NM_005228.5 (MANE Select); coding-DNA position 2184, G replaced by C.
Protein change: p.Lys728Asn; replaces lysine 728 with asparagine.
Molecular consequence: missense variant.
Genome position (GRCh38, 1-based): chr7:55,174,043, G>C. VCF-style: chr7-55174043-G-C. GRCh37 (hg19) VCF-style: chr7-55241736-G-C.
Other names: c.2184G>C (NM_005228.3); c.2049G>C, p.Lys683Asn (NM_001346897.2, NM_001346899.2); c.2184G>C, p.Lys728Asn (NM_001346898.2); c.2025G>C, p.Lys675Asn (NM_001346900.2); c.1383G>C, p.Lys461Asn (NM_001346941.2); short protein forms K728N, K675N, K683N, K461N.
Identifiers: ClinVar variation 1519960 (VCV001519960.9), dbSNP rs1786480922, ClinGen allele CA367583856.
Genomic context (GRCh38, chr7:55,174,043, plus strand): 5'-GGAAACTGAATTCAAAAAGATCAAAGTGCTGGGCTCCGGTGCGTTCGGCACGGTGTATAA[G>C]GTAAGGTCCCTGGCACAGGCCTCTGGGCTGGGCCGCAGGGCCTCTCATGGTCTGGTGGGG-3'
Protein context (NP_005219.2, residues 718-738): LGSGAFGTVY[Lys728Asn]GLWIPEGEKV